The following is an entry in ClinVar:

NM_000497.4(CYP11B1):c.301C>T (p.Gln101Ter)

Gene: CYP11B1 (cytochrome P450 family 11 subfamily B member 1; minus strand). Cytogenetic location: 8q24.3.
Variant type: single nucleotide variant.
Coding change: c.301C>T on transcript NM_000497.4 (MANE Select); coding-DNA position 301, C replaced by T.
Protein change: p.Gln101Ter; replaces glutamine 101 with a stop codon.
Molecular consequence: nonsense.
Genome position (GRCh38, 1-based): chr8:142,879,126, G>A on the plus strand (C>T on the coding strand, the complement: CYP11B1 is on the minus strand). VCF-style: chr8-142879126-G-A. GRCh37 (hg19) VCF-style: chr8-143960542-G-A.
Other names: c.301C>T, p.Gln101Ter (NM_001026213.1); short protein forms Q101*.
Identifiers: ClinVar variation 2751013 (VCV002751013.3), dbSNP rs2488681185, ClinGen allele CA372396622.
Genomic context (GRCh38, chr8:142,879,126, plus strand): 5'-GTCTGTAGGCCACCCAGGGCTCCAGGCTCATCCTGTGGGGATGCAGGCTGTCCACCTGTT[G>A]CAGCTTCTCCACGTCCTCCGGCAGCATCACACACACCATGCCTGCTCCTCCCAAGTCGTA-3'

ClinVar aggregate classification (germline): Pathogenic (1 of 4 stars; one submission).

Submission:

Labcorp Genetics (formerly Invitae), Labcorp
Classification: Pathogenic. Last evaluated: 2023-08-07. Review status: criteria provided, single submitter. Criteria: Invitae Variant Classification Sherloc (09022015). Collection method: clinical testing. Allele origin: germline.
Comment: This sequence change creates a premature translational stop signal (p.Gln101*) in the CYP11B1 gene. It is expected to result in an absent or disrupted protein product. Loss-of-function variants in CYP11B1 are known to be pathogenic (PMID: 8506298, 26476331). This variant is not present in population databases (gnomAD no frequency). This variant has not been reported in the literature in individuals affected with CYP11B1-related conditions. For these reasons, this variant has been classified as Pathogenic.

Literature cited by the submitters: PubMed 8506298; PubMed 26476331.